The following is an entry in ClinVar:

ClinVar aggregate classification (germline): Conflicting classifications of pathogenicity. Review status: criteria provided, conflicting classifications (1 of 4 stars). 3 submissions from 2 submitters: Uncertain significance (2); Likely benign (1). Last evaluated 2025-01-07.

Conditions:
Cardiovascular phenotype. Identifiers: MedGen CN230736.
Hereditary cancer-predisposing syndrome. Also called: Hereditary Cancer Syndrome; Neoplastic Syndromes, Hereditary; Tumor predisposition; Hereditary neoplastic syndrome. Identifiers: Orphanet 140162, MedGen C0027672, MeSH D009386, MONDO:0015356.
Neurofibromatosis, type 1 (NF1). Also called: Neurofibromatosis, type I; VON RECKLINGHAUSEN DISEASE; NEUROFIBROMATOSIS, TYPE I, SOMATIC; Peripheral type neurofibromatosis. Identifiers: Orphanet 636, MedGen C0027831, MONDO:0018975, OMIM 162200. Disease mechanism: loss of function.

Allele frequency attached by ClinVar (database versions not stated): ExAC 0.00003; gnomAD exomes below 0.00001.

Submissions (3):

Ambry Genetics
Classification: Uncertain significance for Cardiovascular phenotype; Hereditary cancer-predisposing syndrome. Last evaluated: 2025-01-07. Review status: criteria provided, single submitter. Criteria: Ambry Variant Classification Scheme 2023. Collection method: clinical testing. Allele origin: germline.
Comment: The c.7127-5T>C intronic alteration consists of a T to C substitution 5 nucleotides before coding exon 48 in the NF1 gene. Based on insufficient or conflicting evidence, the clinical significance of this alteration remains unclear.

Labcorp Genetics (formerly Invitae), Labcorp
Classification: Likely benign for Neurofibromatosis, type 1. Last evaluated: 2024-08-13. Review status: criteria provided, single submitter. Criteria: Invitae Variant Classification Sherloc (09022015). Collection method: clinical testing. Allele origin: germline.

Ambry Genetics
Classification: Uncertain significance for Hereditary cancer-predisposing syndrome. Last evaluated: 2015-06-19. Review status: criteria provided, single submitter. Criteria: Ambry Autosomal Dominant and X-Linked criteria (10/2015). Collection method: clinical testing. Allele origin: germline. Observed: 1 variant allele.
Comment: Thec.7190-5T>Cintronicvariant results from a T to C substitution 5 nucleotides upstream from codingexon49 in theNF1gene. This variant was not reported in population based cohorts in the following databases: Database of Single Nucleotide Polymorphisms (dbSNP),NHLBIExomeSequencing Project (ESP), and 1000 Genomes Project. In the ESP, this variant was not observed in 6498 samples (12996 alleles) with coverage at this position. To date, this alteration has been detected with an allele frequency of approximately 0.002% (greater than55000 alleles tested) in our clinical cohort.This nucleotide position is well conserved in available vertebrate species. Using the BDGP and ESEfindersplice site prediction tools, this alteration is not predicted to have any significant effect on this acceptor splice site; however, direct evidence is unavailable.Since supporting evidence is limited at this time, the clinical significance of c.7190-5T>Cremains unclear.

NM_001042492.3(NF1):c.7190-5T>C

Gene: NF1 (neurofibromin 1; plus strand). Cytogenetic location: 17q11.2.
Variant type: single nucleotide variant.
Coding change: c.7190-5T>C on transcript NM_001042492.3 (MANE Select); 5 bases into the intron before coding-DNA position 7190, T replaced by C.
Molecular consequence: intron variant.
Genome position (GRCh38, 1-based): chr17:31,349,115, T>C. VCF-style: chr17-31349115-T-C. GRCh37 (hg19) VCF-style: chr17-29676133-T-C.
Other names: c.7127-5T>C (NM_000267.4).
Identifiers: ClinVar variation 232454 (VCV000232454.13), dbSNP rs748245325, ClinGen allele CA8487526.